The following is an entry in ClinVar:

ClinVar aggregate classification (germline): Likely benign (1 of 4 stars; one submission).

Allele frequency attached by ClinVar (database versions not stated): 1000 Genomes Project 30x 0.00031; 1000 Genomes Project 0.00040; ExAC 0.00143; ESP Exome Variant Server 0.00191; gnomAD 0.00191; TOPMed 0.00204.
gnomAD v4.1: 5,498 of 1,612,788 alleles (0.34%); highest among the groups gnomAD compares: Non-Finnish European, 0.43%; 18 homozygotes.

Submission:

CeGaT Center for Human Genetics Tuebingen
Classification: Likely benign. Last evaluated: 2022-11-01. Review status: criteria provided, single submitter. Criteria: CeGaT Center For Human Genetics Tuebingen Variant Classification Criteria Version 2. Collection method: clinical testing. Allele origin: germline. Affected: yes. Observed: 1 variant allele.
Comment: AHNAK2: BP4, BP7

NM_138420.4(AHNAK2):c.10140C>T (p.His3380=)

Gene: AHNAK2 (AHNAK nucleoprotein 2; minus strand). Cytogenetic location: 14q32.33.
Variant type: single nucleotide variant.
Coding change: c.10140C>T on transcript NM_138420.4 (MANE Select); coding-DNA position 10140, C replaced by T.
Protein change: p.His3380=; no amino-acid change (histidine 3380 retained).
Molecular consequence: synonymous variant.
Genome position (GRCh38, 1-based): chr14:104,945,311, G>A on the plus strand (C>T on the coding strand, the complement: AHNAK2 is on the minus strand). VCF-style: chr14-104945311-G-A. GRCh37 (hg19) VCF-style: chr14-105411648-G-A.
Other names: c.9840C>T, p.His3280= (NM_001350929.2).
Identifiers: ClinVar variation 2644679 (VCV002644679.24), dbSNP rs182001468, ClinGen allele CA7379279.
Genomic context (GRCh38, chr14:104,945,311, plus strand): 5'-CTTGAAACTGGGCATCTCCACCTTGGGCAGGTGCCCTTTGAGGCCAGCTCCCTCGGGCAC[G>A]TGGCCCTCCGGGAGCTTCACGTCCACCTGGCCAGCCTGGACCTCCAGGTCCACAGAAGGG-3'
Protein context (NP_612429.2, residues 3370-3390): GQVDVKLPEG[His3380=]VPEGAGLKGH